The following is an entry in ClinVar:

ClinVar aggregate classification (germline): Uncertain significance. Review status: criteria provided, multiple submitters, no conflicts (2 of 4 stars). 6 submissions from 6 submitters: Uncertain significance (6). Last evaluated 2025-12-03.

Conditions:
Hereditary cancer-predisposing syndrome. Also called: Tumor predisposition; Neoplastic Syndromes, Hereditary; Hereditary Cancer Syndrome; Hereditary neoplastic syndrome. Identifiers: Orphanet 140162, MedGen C0027672, MeSH D009386, MONDO:0015356.

Allele frequency attached by ClinVar (database versions not stated): ExAC 0.00002; gnomAD 0.00002; gnomAD exomes 0.00002 and 0.00003; TOPMed 0.00002.
gnomAD v4.1: 41 of 1,613,834 alleles (0.0025%); highest among the groups gnomAD compares: Non-Finnish European, 0.0034%; no homozygotes.

Submissions (6):

Labcorp Genetics (formerly Invitae), Labcorp
Classification: Uncertain significance. Last evaluated: 2025-12-03. Review status: criteria provided, single submitter. Criteria: Invitae Variant Classification Sherloc (09022015). Collection method: clinical testing. Allele origin: germline.
Comment: This sequence change replaces isoleucine, which is neutral and non-polar, with valine, which is neutral and non-polar, at codon 843 of the POLE protein (p.Ile843Val). This variant is present in population databases (rs780758461, gnomAD 0.004%). This missense change has been observed in individual(s) with ovarian cancer (PMID: 34326862). ClinVar contains an entry for this variant (Variation ID: 240435). Invitae Evidence Modeling of protein sequence and biophysical properties (such as structural, functional, and spatial information, amino acid conservation, physicochemical variation, residue mobility, and thermodynamic stability) indicates that this missense variant is expected to disrupt POLE protein function with a positive predictive value of 80%. In summary, the available evidence is currently insufficient to determine the role of this variant in disease. Therefore, it has been classified as a Variant of Uncertain Significance.

GeneDx
Classification: Uncertain significance. Last evaluated: 2025-05-27. Review status: criteria provided, single submitter. Criteria: GeneDx Variant Classification Process June 2021. Collection method: clinical testing. Allele origin: germline. Affected: yes.
Comment: Not observed at significant frequency in large population cohorts (gnomAD); In silico analysis suggests that this missense variant does not alter protein structure/function; Observed in individuals with a personal and/or family history of oligopolyposis, breast cancer, and/or other cancers (PMID: 31942411, 34326862); This variant is associated with the following publications: (PMID: 29056344, 20951805, 31942411, 34326862)

Ambry Genetics
Classification: Uncertain significance for Hereditary cancer-predisposing syndrome. Last evaluated: 2024-10-17. Review status: criteria provided, single submitter. Criteria: Ambry Variant Classification Scheme 2023. Collection method: clinical testing. Allele origin: germline.
Comment: The p.I843V variant (also known as c.2527A>G), located in coding exon 22 of the POLE gene, results from an A to G substitution at nucleotide position 2527. The isoleucine at codon 843 is replaced by valine, an amino acid with highly similar properties. This amino acid position is highly conserved in available vertebrate species. In addition, the in silico prediction for this alteration is inconclusive. Based on the available evidence, the clinical significance of this variant remains unclear.

Mendelics
Classification: Uncertain significance. Last evaluated: 2022-05-04. Review status: criteria provided, single submitter. Criteria: Mendelics Assertion Criteria 2019. Collection method: clinical testing. Allele origin: germline.

Institute for Clinical Genetics, University Hospital TU Dresden, University Hospital TU Dresden
Classification: Uncertain significance. Last evaluated: 2021-11-03. Review status: criteria provided, single submitter. Criteria: ACMG Guidelines, 2015. Collection method: clinical testing. Allele origin: germline.

Quest Diagnostics Nichols Institute San Juan Capistrano
Classification: Uncertain significance. Last evaluated: 2017-02-03. Review status: criteria provided, single submitter. Criteria: Quest Diagnostics criteria. Collection method: clinical testing. Allele origin: germline.

Literature cited by the submitters: PubMed 34326862 (cited by Labcorp Genetics (formerly Invitae), Labcorp); PubMed 31942411 (cited by Ambry Genetics).

NM_006231.4(POLE):c.2527A>G (p.Ile843Val)

Gene: POLE (DNA polymerase epsilon, catalytic subunit; minus strand). Cytogenetic location: 12q24.33.
Variant type: single nucleotide variant.
Coding change: c.2527A>G on transcript NM_006231.4 (MANE Select); coding-DNA position 2527, A replaced by G.
Protein change: p.Ile843Val; replaces isoleucine 843 with valine.
Molecular consequence: missense variant.
Genome position (GRCh38, 1-based): chr12:132,664,404, T>C on the plus strand (A>G on the coding strand, the complement: POLE is on the minus strand). VCF-style: chr12-132664404-T-C. GRCh37 (hg19) VCF-style: chr12-133240990-T-C.
Other names: short protein forms I843V.
Identifiers: ClinVar variation 240435 (VCV000240435.20), dbSNP rs780758461, ClinGen allele CA6893522.